The following is an entry in ClinVar:

NM_020754.4(ARHGAP31):c.2180C>T (p.Thr727Ile)

Gene: ARHGAP31 (Rho GTPase activating protein 31; plus strand). Cytogenetic location: 3q13.33.
Variant type: single nucleotide variant.
Coding change: c.2180C>T on transcript NM_020754.4 (MANE Select); coding-DNA position 2180, C replaced by T.
Protein change: p.Thr727Ile; replaces threonine 727 with isoleucine.
Molecular consequence: missense variant.
Genome position (GRCh38, 1-based): chr3:119,414,109, C>T. VCF-style: chr3-119414109-C-T. GRCh37 (hg19) VCF-style: chr3-119132956-C-T.
Other names: c.2180C>T (NM_020754.3); short protein forms T727I.
Identifiers: ClinVar variation 1664925 (VCV001664925.10), dbSNP rs539048828, ClinGen allele CA2553982.

ClinVar aggregate classification (germline): Benign. Review status: criteria provided, single submitter (1 of 4 stars). 2 submissions from 2 submitters: Benign (1). 1 of the submissions does not count toward it. Last evaluated 2025-08-18.

Conditions:
ARHGAP31-related disorder. Also called: ARHGAP31-related condition.

Allele frequency attached by ClinVar (database versions not stated): gnomAD 0.00003 and 0.00010; TOPMed 0.00005; gnomAD exomes 0.00026 and 0.00049; 1000 Genomes Project 30x 0.00031; 1000 Genomes Project 0.00040; ExAC 0.00062.
gnomAD v4.1: 404 of 1,614,208 alleles (0.025%); highest among the groups gnomAD compares: South Asian, 0.31%; 3 homozygotes.

Submissions (2):

Labcorp Genetics (formerly Invitae), Labcorp
Classification: Benign. Last evaluated: 2025-08-18. Review status: criteria provided, single submitter. Criteria: Invitae Variant Classification Sherloc (09022015). Collection method: clinical testing. Allele origin: germline.

PreventionGenetics, part of Exact Sciences
Classification: Likely benign for ARHGAP31-related condition. Last evaluated: 2024-08-14. Review status: no assertion criteria provided. Collection method: clinical testing. Allele origin: germline. Not counted in ClinVar's aggregate classification.
Comment: This variant is classified as likely benign based on ACMG/AMP sequence variant interpretation guidelines (Richards et al. 2015 PMID: 25741868, with internal and published modifications).